The following is an entry in ClinVar:

ClinVar aggregate classification (germline): Uncertain significance (1 of 4 stars; one submission).

Conditions:
Gamma-aminobutyric acid transaminase deficiency (GABATD). Also called: GABA transaminase deficiency; Gamma aminobutyrate transaminase deficiency; 4 alpha aminobutyrate transaminase deficiency; GABA aminotransaminase deficiency. Identifiers: Orphanet 2066, MedGen C0342708, MONDO:0013166, OMIM 613163.

Allele frequency attached by ClinVar (database versions not stated): TOPMed below 0.00001.

Submission:

Labcorp Genetics (formerly Invitae), Labcorp
Classification: Uncertain significance for Gamma-aminobutyric acid transaminase deficiency. Last evaluated: 2022-08-21. Review status: criteria provided, single submitter. Criteria: Invitae Variant Classification Sherloc (09022015). Collection method: clinical testing. Allele origin: germline.
Comment: This sequence change replaces leucine, which is neutral and non-polar, with valine, which is neutral and non-polar, at codon 346 of the ABAT protein (p.Leu346Val). This variant is not present in population databases (gnomAD no frequency). This variant has not been reported in the literature in individuals affected with ABAT-related conditions. Algorithms developed to predict the effect of missense changes on protein structure and function are either unavailable or do not agree on the potential impact of this missense change (SIFT: "Deleterious"; PolyPhen-2: "Possibly Damaging"; Align-GVGD: "Class C0"). In summary, the available evidence is currently insufficient to determine the role of this variant in disease. Therefore, it has been classified as a Variant of Uncertain Significance.

NM_020686.6(ABAT):c.1036C>G (p.Leu346Val)

Gene: ABAT (4-aminobutyrate aminotransferase; plus strand). Cytogenetic location: 16p13.2.
Variant type: single nucleotide variant.
Coding change: c.1036C>G on transcript NM_020686.6 (MANE Select); coding-DNA position 1036, C replaced by G.
Protein change: p.Leu346Val; replaces leucine 346 with valine.
Molecular consequence: missense variant.
Genome position (GRCh38, 1-based): chr16:8,774,971, C>G. VCF-style: chr16-8774971-C-G. GRCh37 (hg19) VCF-style: chr16-8868828-C-G.
Other names: c.1036C>G, p.Leu346Val (NM_000663.5, NM_001127448.2, NM_001386600.1 and 6 more transcripts); c.997C>G, p.Leu333Val (NM_001386605.1); c.973C>G, p.Leu325Val (NM_001386606.1, NM_001386607.1); c.943C>G, p.Leu315Val (NM_001386608.1); c.901C>G, p.Leu301Val (NM_001386610.1, NM_001386611.1); c.838C>G, p.Leu280Val (NM_001386612.1, NM_001386613.1); c.790C>G, p.Leu264Val (NM_001386614.1); c.1132C>G, p.Leu378Val (NM_001386615.1); short protein forms L315V, L325V, L264V, L280V, L301V, L333V, L346V, L378V.
Identifiers: ClinVar variation 1985324 (VCV001985324.1), dbSNP rs2060223696, ClinGen allele CA394689917.